The following is an entry in ClinVar:

ClinVar aggregate classification (germline): Uncertain significance (1 of 4 stars; one submission).

Conditions:
Hypomagnesemia, seizures, and impaired intellectual development 2. Also called: Hypomagnesemia, seizures, and intellectual disability 2. Identifiers: MedGen C5193023, MONDO:0020788, OMIM 618314.
Charcot-Marie-tooth disease, axonal, type 2DD. Also called: CHARCOT-MARIE-TOOTH NEUROPATHY, TYPE 2DD. Identifiers: Orphanet 521414, MedGen C4747974, MONDO:0054833, OMIM 618036.

Submission:

Juno Genomics, Hangzhou Juno Genomics, Inc
Classification: Uncertain significance for Hypomagnesemia, seizures, and impaired intellectual development 2; Charcot-Marie-tooth disease, axonal, type 2DD. Review status: criteria provided, single submitter. Criteria: ACMG Guidelines, 2015. Collection method: clinical testing. Allele origin: germline.
Comment: Absent from controls (or at extremely low frequency if recessive) in Genome Aggregation Database.;Multiple lines of computational evidence support a deleterious effect on the gene or gene product.;Missense variant in a gene that has a low rate of benign missense variation.

NM_000701.8(ATP1A1):c.2833T>G (p.Phe945Val)

Genes: ATP1A1 (ATPase Na+/K+ transporting subunit alpha 1; plus strand), ATP1A1-AS1 (ATP1A1 antisense RNA 1; minus strand). Cytogenetic location: 1p13.1.
Variant type: single nucleotide variant.
Coding change: c.2833T>G on transcript NM_000701.8 (MANE Select); coding-DNA position 2833, T replaced by G.
Protein change: p.Phe945Val; replaces phenylalanine 945 with valine.
Molecular consequence: missense variant.
Genome position (GRCh38, 1-based): chr1:116,401,244, T>G. VCF-style: chr1-116401244-T-G. GRCh37 (hg19) VCF-style: chr1-116943866-T-G.
Other names: c.2833T>G, p.Phe945Val (NM_001160233.2); c.2740T>G, p.Phe914Val (NM_001160234.2); short protein forms F945V, F914V.
Identifiers: ClinVar variation 5006122 (VCV005006122.2).
Genomic context (GRCh38, chr1:116,401,244, plus strand): 5'-AGTATCGTGGTGGTGCAGTGGGCCGACTTGGTCATCTGTAAGACCAGGAGGAATTCGGTC[T>G]TCCAGCAGGGGATGAAGTAAGTAATGAAGGACATGTCAAGGCCTTGGCTCAAAGAAGGGG-3'
Protein context (NP_000692.2, residues 935-955): VICKTRRNSV[Phe945Val]QQGMKNKILI